The following is an entry in ClinVar:

ClinVar aggregate classification (germline): Uncertain significance (1 of 4 stars; one submission).

Submission:

CeGaT Center for Human Genetics Tuebingen
Classification: Uncertain significance. Last evaluated: 2026-04-01. Review status: criteria provided, single submitter. Criteria: CeGaT Center For Human Genetics Tuebingen Variant Classification Criteria Version 2. Collection method: clinical testing. Allele origin: germline. Affected: yes. Observed: 1 variant allele.
Comment: SERPINC1: PM1, PM2, BP4

NM_000488.4(SERPINC1):c.672T>G (p.Asn224Lys)

Gene: SERPINC1 (serpin family C member 1; minus strand). Cytogenetic location: 1q25.1.
Variant type: single nucleotide variant.
Coding change: c.672T>G on transcript NM_000488.4 (MANE Select); coding-DNA position 672, T replaced by G.
Protein change: p.Asn224Lys; replaces asparagine 224 with lysine.
Molecular consequence: missense variant.
Genome position (GRCh38, 1-based): chr1:173,910,844, A>C on the plus strand (T>G on the coding strand, the complement: SERPINC1 is on the minus strand). VCF-style: chr1-173910844-A-C. GRCh37 (hg19) VCF-style: chr1-173879982-A-C.
Other names: c.528T>G, p.Asn176Lys (NM_001365052.2); c.672T>G, p.Asn224Lys (NM_001386302.1, NM_001386304.1, NM_001386305.1); c.753T>G, p.Asn251Lys (NM_001386303.1); c.456T>G, p.Asn152Lys (NM_001386306.1); short protein forms N152K, N176K, N224K, N251K.
Identifiers: ClinVar variation 4874545 (VCV004874545.2).